The following is an entry in ClinVar:

ClinVar aggregate classification (germline): Uncertain significance (1 of 4 stars; one submission).

Allele frequency attached by ClinVar (database versions not stated): gnomAD exomes below 0.00001; ExAC 0.00001.
gnomAD v4.1: 2 of 1,607,622 alleles (0.00012%); highest among the groups gnomAD compares: Non-Finnish European, 0.00017%; no homozygotes.

Submission:

CeGaT Center for Human Genetics Tuebingen
Classification: Uncertain significance. Last evaluated: 2023-06-01. Review status: criteria provided, single submitter. Criteria: CeGaT Center For Human Genetics Tuebingen Variant Classification Criteria Version 2. Collection method: clinical testing. Allele origin: germline. Affected: yes. Observed: 1 variant allele.
Comment: CACNA1E: PM2, PP2, PP3, BS4

NM_001205293.3(CACNA1E):c.7C>T (p.Arg3Cys)

Gene: CACNA1E (calcium voltage-gated channel subunit alpha1 E; plus strand). Cytogenetic location: 1q25.3.
Variant type: single nucleotide variant.
Coding change: c.7C>T on transcript NM_001205293.3 (MANE Select); coding-DNA position 7, C replaced by T.
Protein change: p.Arg3Cys; replaces arginine 3 with cysteine.
Molecular consequence: missense variant.
Genome position (GRCh38, 1-based): chr1:181,483,751, C>T. VCF-style: chr1-181483751-C-T. GRCh37 (hg19) VCF-style: chr1-181452887-C-T.
Other names: c.7C>T, p.Arg3Cys (NM_000721.4, NM_001205294.2); short protein forms R3C.
Identifiers: ClinVar variation 2639607 (VCV002639607.24), dbSNP rs769614151, ClinGen allele CA1274807.
Genomic context (GRCh38, chr1:181,483,751, plus strand): 5'-CGGGTGTTCGGCCGCGATCACCTTTGTGTGTCTTCTGTCTGTTTAAACCTCAGGATGGCT[C>T]GCTTCGGGGAGGCGGTGGTCGCCAGGCCAGGGTCCGGCGATGGAGACTCGGACCAGAGCA-3'
Protein context (NP_001192222.1, residues 1-13): MA[Arg3Cys]FGEAVVARPG